The following is an entry in ClinVar:

ClinVar aggregate classification (germline): Uncertain significance. Review status: criteria provided, multiple submitters, no conflicts (2 of 4 stars). 2 submissions from 2 submitters: Uncertain significance (2). Last evaluated 2022-12-28.

Conditions:
Parkinsonism-dystonia, infantile. Identifiers: Orphanet 238455, MedGen C2751067, MONDO:0013150.

Allele frequency attached by ClinVar (database versions not stated): gnomAD exomes 0.00002 and 0.00003; gnomAD 0.00003 and 0.00004; ExAC 0.00008; TOPMed 0.00004.
gnomAD v4.1: 55 of 1,586,834 alleles (0.0035%); highest among the groups gnomAD compares: Non-Finnish European, 0.0042%; no homozygotes.

Submissions (2):

GeneDx
Classification: Uncertain significance. Last evaluated: 2022-12-28. Review status: criteria provided, single submitter. Criteria: GeneDx Variant Classification Process June 2021. Collection method: clinical testing. Allele origin: germline. Affected: yes.
Comment: Not observed at significant frequency in large population cohorts (gnomAD); In silico analysis supports that this missense variant does not alter protein structure/function; Has not been previously published as pathogenic or benign to our knowledge; This variant is associated with the following publications: (PMID: 24332984)

Labcorp Genetics (formerly Invitae), Labcorp
Classification: Uncertain significance for Parkinsonism-dystonia, infantile. Last evaluated: 2021-08-27. Review status: criteria provided, single submitter. Criteria: Invitae Variant Classification Sherloc (09022015). Collection method: clinical testing. Allele origin: germline.
Comment: This sequence change replaces arginine with histidine at codon 610 of the SLC6A3 protein (p.Arg610His). The arginine residue is moderately conserved and there is a small physicochemical difference between arginine and histidine. This variant is present in population databases (rs200431667, ExAC 0.1%). This variant has not been reported in the literature in individuals affected with SLC6A3-related conditions. Algorithms developed to predict the effect of missense changes on protein structure and function are either unavailable or do not agree on the potential impact of this missense change (SIFT: "Tolerated"; PolyPhen-2: "Probably Damaging"; Align-GVGD: "Class C0"). In summary, the available evidence is currently insufficient to determine the role of this variant in disease. Therefore, it has been classified as a Variant of Uncertain Significance.

NM_001044.5(SLC6A3):c.1829G>A (p.Arg610His)

Gene: SLC6A3 (solute carrier family 6 member 3). Cytogenetic location: 5p15.33.
Variant type: single nucleotide variant.
Coding change: c.1829G>A on transcript NM_001044.5 (MANE Select); coding-DNA position 1829, G replaced by A.
Protein change: p.Arg610His; replaces arginine 610 with histidine.
Molecular consequence: missense variant.
Genome position (GRCh38, 1-based): chr5:1,400,925, C>T on the plus strand (G>A on the coding strand, the complement: SLC6A3 is on the minus strand). VCF-style: chr5-1400925-C-T. GRCh37 (hg19) VCF-style: chr5-1401040-C-T.
Other names: short protein forms R610H.
Identifiers: ClinVar variation 1001511 (VCV001001511.7), dbSNP rs200431667, ClinGen allele CA3185884.
Genomic context (GRCh38, chr5:1,400,925, plus strand): 5'-GATCATTCTGAATTCCCCCGAGAGAGGCCCAGCAGGGACCTCGACCTCACCGTGAACTGG[C>T]GCACCTCCCCTCTGTCCACCAGCTCACGGTCCTTCTCGGGTGCAATGGCGTAGGCCAGTT-3'
Protein context (NP_001035.1, residues 600-620): DRELVDRGEV[Arg610His]QFTLRHWLKV